The following is an entry in ClinVar:

ClinVar aggregate classification (germline): Uncertain significance (1 of 4 stars; one submission).

Conditions:
Hereditary cancer-predisposing syndrome. Also called: Tumor predisposition; Hereditary Cancer Syndrome; Hereditary neoplastic syndrome; Neoplastic Syndromes, Hereditary. Identifiers: Orphanet 140162, MedGen C0027672, MeSH D009386, MONDO:0015356.

Submission:

Ambry Genetics
Classification: Uncertain significance for Hereditary cancer-predisposing syndrome. Last evaluated: 2024-04-04. Review status: criteria provided, single submitter. Criteria: Ambry Variant Classification Scheme 2023. Collection method: clinical testing. Allele origin: germline.
Comment: The p.V84I variant (also known as c.250G>A), located in coding exon 2 of the PDGFRA gene, results from a G to A substitution at nucleotide position 250. The valine at codon 84 is replaced by isoleucine, an amino acid with highly similar properties. This amino acid position is conserved. In addition, this alteration is predicted to be tolerated by in silico analysis. Based on the available evidence, the clinical significance of this variant remains unclear.

NM_006206.6(PDGFRA):c.250G>A (p.Val84Ile)

Gene: PDGFRA (platelet derived growth factor receptor alpha; plus strand). Cytogenetic location: 4q12.
Variant type: single nucleotide variant.
Coding change: c.250G>A on transcript NM_006206.6 (MANE Select); coding-DNA position 250, G replaced by A.
Protein change: p.Val84Ile; replaces valine 84 with isoleucine.
Molecular consequence: missense variant.
Genome position (GRCh38, 1-based): chr4:54,261,295, G>A. VCF-style: chr4-54261295-G-A. GRCh37 (hg19) VCF-style: chr4-55127462-G-A.
Other names: c.250G>A, p.Val84Ile (NM_001347827.2, NM_001347829.2); c.325G>A, p.Val109Ile (NM_001347828.2); c.289G>A, p.Val97Ile (NM_001347830.2); short protein forms V109I, V84I, V97I.
Identifiers: ClinVar variation 3305467 (VCV003305467.1).